The following is an entry in ClinVar:

NM_001378328.1(CELSR1):c.7016C>T (p.Ala2339Val)

Gene: CELSR1 (cadherin EGF LAG seven-pass G-type receptor 1; minus strand). Cytogenetic location: 22q13.31.
Variant type: single nucleotide variant.
Coding change: c.7016C>T on transcript NM_001378328.1 (MANE Select); coding-DNA position 7016, C replaced by T.
Protein change: p.Ala2339Val; replaces alanine 2339 with valine.
Molecular consequence: missense variant.
Genome position (GRCh38, 1-based): chr22:46,381,918, G>A on the plus strand (C>T on the coding strand, the complement: CELSR1 is on the minus strand). VCF-style: chr22-46381918-G-A. GRCh37 (hg19) VCF-style: chr22-46777815-G-A.
Other names: c.7016C>T, p.Ala2339Val (NM_014246.4); short protein forms A2339V.
Identifiers: ClinVar variation 3393671 (VCV003393671.1).

ClinVar aggregate classification (germline): Uncertain significance (1 of 4 stars; one submission).

Submission:

GeneDx
Classification: Uncertain significance. Last evaluated: 2024-07-01. Review status: criteria provided, single submitter. Criteria: GeneDx Variant Classification Process June 2021. Collection method: clinical testing. Allele origin: germline. Affected: yes.
Comment: Not observed at significant frequency in large population cohorts (gnomAD); In silico analysis indicates that this missense variant does not alter protein structure/function; Has not been previously published as pathogenic or benign to our knowledge